The following is an entry in ClinVar:

ClinVar aggregate classification (germline): Uncertain significance (1 of 4 stars; one submission).

Conditions:
Hereditary cancer-predisposing syndrome. Also called: Hereditary neoplastic syndrome; Hereditary Cancer Syndrome; Neoplastic Syndromes, Hereditary; Tumor predisposition. Identifiers: Orphanet 140162, MedGen C0027672, MeSH D009386, MONDO:0015356.

Submission:

Ambry Genetics
Classification: Uncertain significance for Hereditary cancer-predisposing syndrome. Last evaluated: 2015-02-02. Review status: criteria provided, single submitter. Criteria: Ambry Autosomal Dominant and X-Linked criteria (10/2015). Collection method: clinical testing. Allele origin: germline. Observed: 1 variant allele.
Comment: Thep.R163Svariant (also known as c.489A>T), located in coding exon 3 of theCDK4gene, results from an A to T substitution at nucleotide position 489. The arginine at codon 163 is replaced by serine, an amino acid with dissimilar properties. This variant was not reported in population based cohorts in the following databases: Database of Single Nucleotide Polymorphisms (dbSNP), NHLBI Exome Sequencing Project (ESP), and 1000 Genomes Project. In the ESP, this variant was not observed in 6,503 samples (13,006 alleles) with coverage at this position. To date, this alteration has been detected with an allele frequency of approximately 0.01% (greater than 8,000 alleles tested) in our clinical cohort. This amino acid position is highly conserved in available vertebrate species. In addition, the in silico prediction for this alteration is inconclusive. Since supporting evidence is limited at this time, the clinical significance of p.R163S remains unclear.

NM_000075.4(CDK4):c.489A>T (p.Arg163Ser)

Gene: CDK4 (cyclin dependent kinase 4; minus strand). Cytogenetic location: 12q14.1.
Variant type: single nucleotide variant.
Coding change: c.489A>T on transcript NM_000075.4 (MANE Select); coding-DNA position 489, A replaced by T.
Protein change: p.Arg163Ser; replaces arginine 163 with serine.
Molecular consequence: missense variant.
Genome position (GRCh38, 1-based): chr12:57,750,956, T>A on the plus strand (A>T on the coding strand, the complement: CDK4 is on the minus strand). VCF-style: chr12-57750956-T-A. GRCh37 (hg19) VCF-style: chr12-58144739-T-A.
Other names: short protein forms R163S.
Identifiers: ClinVar variation 230246 (VCV000230246.3), dbSNP rs876658462, ClinGen allele CA10579438.